The following is an entry in ClinVar:

ClinVar aggregate classification (germline): Conflicting classifications of pathogenicity. Review status: criteria provided, conflicting classifications (1 of 4 stars). 10 submissions from 9 submitters: Likely pathogenic (4); Uncertain significance (6). Last evaluated 2024-09-10.

Conditions:
Mitochondrial complex I deficiency. Also called: NADH:Q(1) OXIDOREDUCTASE DEFICIENCY. Identifiers: Orphanet 2609, MedGen C1838979, MeSH C537475, MONDO:0100133.
NDUFV1-related disorder. Also called: NDUFV1-related condition; NDUFV1-related disorders.
Mitochondrial complex I deficiency, nuclear type 1. Also called: NADH-COENZYME Q REDUCTASE DEFICIENCY; MITOCHONDRIAL NADH DEHYDROGENASE COMPONENT OF COMPLEX I, DEFICIENCY OF. Identifiers: MedGen C6022305, MONDO:0100224, OMIM 252010.
Mitochondrial complex I deficiency, nuclear type 4. Also called: Mitochondrial complex 1 deficiency, nuclear type 4. Identifiers: MedGen C4748753, MONDO:0032609, OMIM 618225.

Allele frequency attached by ClinVar (database versions not stated): gnomAD 0.00005; TOPMed 0.00006; ExAC 0.00007; ESP Exome Variant Server 0.00008.
gnomAD v4.1: 261 of 1,614,048 alleles (0.016%); highest among the groups gnomAD compares: Non-Finnish European, 0.021%; no homozygotes.

Submissions (10):

Women's Health and Genetics/Laboratory Corporation of America, LabCorp
Classification: Uncertain significance. Last evaluated: 2024-09-10. Review status: criteria provided, single submitter. Criteria: LabCorp Variant Classification Summary - May 2015. Collection method: clinical testing. Allele origin: germline.
Comment: Variant summary: NDUFV1 c.166T>C (p.Ser56Pro) results in a non-conservative amino acid change in the encoded protein sequence. Three of five in-silico tools predict a benign effect of the variant on protein function. The variant allele was found at a frequency of 5.2e-05 in 251496 control chromosomes. This frequency is not significantly higher than estimated for a pathogenic variant in NDUFV1 causing Leigh Syndrome (5.2e-05 vs 0.0013), allowing no conclusion about variant significance. c.166T>C has been reported in the literature in individuals affected with Mitochondrial Complex I Deficiency (Koene_2012, De La Vega_2021). These data indicate that the variant may be associated with disease. To our knowledge, no experimental evidence demonstrating an impact on protein function has been reported. The following publications have been ascertained in the context of this evaluation (PMID: 25615419, 34645491, 35482023, 22644603, 23562761, 35482246, 26345448, 29948731). ClinVar contains an entry for this variant (Variation ID: 372715). Based on the evidence outlined above, the variant was classified as VUS-possibly pathogenic.

Fulgent Genetics
Classification: Likely pathogenic for Mitochondrial complex I deficiency, nuclear type 4. Last evaluated: 2024-05-24. Review status: criteria provided, single submitter. Criteria: ACMG Guidelines, 2015. Collection method: clinical testing. Allele origin: germline.

PreventionGenetics, part of Exact Sciences
Classification: Uncertain significance for NDUFV1-related condition. Last evaluated: 2023-04-24. Review status: criteria provided, single submitter. Criteria: ACMG Guidelines, 2015. Collection method: clinical testing. Allele origin: germline.
Comment: The NDUFV1 c.166T>C variant is predicted to result in the amino acid substitution p.Ser56Pro. This variant was reported, along with a second missense variant, in two individuals with suspected mitochondrial disease and complex I deficiency (Koene et al. 2012. PubMed ID: 22644603, supplementary data; Clark et al. 2019. PubMed ID: 31019026, supplementary data). This variant is reported in 0.011% of alleles in individuals of European (Non-Finnish) descent in gnomAD. Although we suspect that NDUFV1 c.166T>C (p.Ser56Pro) may be pathogenic, the clinical significance of this variant is currently classified as uncertain due to the absence of conclusive functional and genetic evidence.

Blueprint Genetics
Classification: Uncertain significance. Last evaluated: 2022-05-23. Review status: criteria provided, single submitter. Criteria: ACMG Guidelines, 2015. Collection method: clinical testing. Allele origin: germline.

Labcorp Genetics (formerly Invitae), Labcorp
Classification: Uncertain significance. Last evaluated: 2022-03-26. Review status: criteria provided, single submitter. Criteria: Invitae Variant Classification Sherloc (09022015). Collection method: clinical testing. Allele origin: germline.
Comment: This sequence change replaces serine, which is neutral and polar, with proline, which is neutral and non-polar, at codon 56 of the NDUFV1 protein (p.Ser56Pro). This variant is present in population databases (rs201727685, gnomAD 0.01%). This missense change has been observed in individual(s) with clinical features of mitochondrial complex I deficiency (PMID: 22644603). ClinVar contains an entry for this variant (Variation ID: 372715). Advanced modeling of protein sequence and biophysical properties (such as structural, functional, and spatial information, amino acid conservation, physicochemical variation, residue mobility, and thermodynamic stability) performed at Invitae indicates that this missense variant is not expected to disrupt NDUFV1 protein function. In summary, the available evidence is currently insufficient to determine the role of this variant in disease. Therefore, it has been classified as a Variant of Uncertain Significance.

Revvity Omics, Revvity
Classification: Uncertain significance for Mitochondrial complex I deficiency, nuclear type 4. Last evaluated: 2021-06-23. Review status: criteria provided, single submitter. Criteria: ACMG Guidelines, 2015. Collection method: clinical testing. Allele origin: germline.

Baylor Genetics
Classification: Uncertain significance for Mitochondrial complex I deficiency, nuclear type 1. Last evaluated: 2019-07-22. Review status: criteria provided, single submitter. Criteria: ACMG Guidelines, 2015. Collection method: clinical testing. Allele origin: unknown. Affected: yes.
Comment: This variant was determined to be of uncertain significance according to ACMG Guidelines, 2015 [PMID:25741868].

Rady Children's Institute for Genomic Medicine, Rady Children's Hospital San Diego
Classification: Likely pathogenic for MITOCHONDRIAL COMPLEX I DEFICIENCY. Last evaluated: 2018-04-18. Review status: criteria provided, single submitter. Criteria: ACMG Guidelines, 2015. Collection method: clinical testing. Allele origin: germline. Affected: yes. Observed: 1 variant allele.
Comment: This variant has been reported in the compound heterozygous state with a pathogenic missense variant in an individual with mitochondrial complex I deficiency (PMID: 22644603). This variant has been reported in the public SNP databases; however with a very low frequency. Based on the overall evidence, we classified this variant as likely pathogenic.

GeneDx
Classification: Likely pathogenic. Last evaluated: 2016-01-13. Review status: criteria provided, single submitter. Criteria: GeneDx Variant Classification (06012015). Collection method: clinical testing. Allele origin: germline. Affected: yes.
Comment: The S56P variant in the NDUFV1 gene has been previously reported in the compound heterozygous state with a pathogenic missense variant in an individual with mitochondrial complex I deficiency (Koene et al., 2012). This variant was not observed at any significant frequency in approximately 6500 individuals of European and African American ancestry in the NHLBI Exome Sequencing Project, indicating it is not a common variant in these populations. The S56P variant is a non-conservative amino acid substitution, which is likely to impact secondary protein structure as these residues differ in polarity, charge, size and/or other properties. This substitution occurs at a position that is not conserved. In silico analysis is inconsistent in its predictions as to whether or not the variant is damaging to the protein structure/function. The S56P variant is a strong candidate for a pathogenic variant.

Baylor Genetics
Classification: Likely pathogenic for Mitochondrial complex I deficiency, nuclear type 4. Review status: criteria provided, single submitter. Criteria: ACMG Guidelines, 2015. Collection method: clinical testing. Allele origin: unknown.

Literature cited by the submitters: PubMed 25615419 (cited by Women's Health and Genetics/Laboratory Corporation of America, LabCorp); PubMed 29948731 (cited by Women's Health and Genetics/Laboratory Corporation of America, LabCorp); PubMed 23562761 (cited by Women's Health and Genetics/Laboratory Corporation of America, LabCorp); PubMed 26345448 (cited by Women's Health and Genetics/Laboratory Corporation of America, LabCorp); PubMed 34645491 (cited by Women's Health and Genetics/Laboratory Corporation of America, LabCorp); PubMed 22644603 (cited by Women's Health and Genetics/Laboratory Corporation of America, LabCorp and Labcorp Genetics (formerly Invitae), Labcorp); PubMed 35482246 (cited by Women's Health and Genetics/Laboratory Corporation of America, LabCorp); PubMed 35482023 (cited by Women's Health and Genetics/Laboratory Corporation of America, LabCorp).

NM_007103.4(NDUFV1):c.166T>C (p.Ser56Pro)

Gene: NDUFV1 (NADH:ubiquinone oxidoreductase core subunit V1; plus strand). Cytogenetic location: 11q13.2.
Variant type: single nucleotide variant.
Coding change: c.166T>C on transcript NM_007103.4 (MANE Select); coding-DNA position 166, T replaced by C.
Protein change: p.Ser56Pro; replaces serine 56 with proline.
Molecular consequence: missense variant.
Genome position (GRCh38, 1-based): chr11:67,608,562, T>C. VCF-style: chr11-67608562-T-C. GRCh37 (hg19) VCF-style: chr11-67376033-T-C.
Other names: c.139T>C, p.Ser47Pro (NM_001166102.2); short protein forms S56P, S47P.
Identifiers: ClinVar variation 372715 (VCV000372715.13), dbSNP rs201727685, ClinGen allele CA6143106.